The following is an entry in ClinVar:

ClinVar aggregate classification (germline): Uncertain significance (1 of 4 stars; one submission).

gnomAD v4.1: 2 of 1,614,020 alleles (0.00012%); highest among the groups gnomAD compares: South Asian, 0.0011%; no homozygotes.

Submission:

Labcorp Genetics (formerly Invitae), Labcorp
Classification: Uncertain significance. Last evaluated: 2025-11-13. Review status: criteria provided, single submitter. Criteria: Invitae Variant Classification Sherloc (09022015). Collection method: clinical testing. Allele origin: germline.
Comment: This sequence change replaces serine, which is neutral and polar, with arginine, which is basic and polar, at codon 308 of the IL23R protein (p.Ser308Arg). This variant is present in population databases (rs748585783, gnomAD 0.01%). This variant has not been reported in the literature in individuals affected with IL23R-related conditions. An algorithm developed to predict the effect of missense changes on protein structure and function (PolyPhen-2) suggests that this variant is likely to be tolerated. In summary, the available evidence is currently insufficient to determine the role of this variant in disease. Therefore, it has been classified as a Variant of Uncertain Significance.

NM_144701.3(IL23R):c.922A>C (p.Ser308Arg)

Gene: IL23R (interleukin 23 receptor; plus strand). Cytogenetic location: 1p31.3.
Variant type: single nucleotide variant.
Coding change: c.922A>C on transcript NM_144701.3 (MANE Select); coding-DNA position 922, A replaced by C.
Protein change: p.Ser308Arg; replaces serine 308 with arginine.
Molecular consequence: missense variant.
Genome position (GRCh38, 1-based): chr1:67,219,697, A>C. VCF-style: chr1-67219697-A-C. GRCh37 (hg19) VCF-style: chr1-67685380-A-C.
Other names: short protein forms S308R.
Identifiers: ClinVar variation 4765533 (VCV004765533.1).